The following is an entry in ClinVar:

ClinVar aggregate classification (germline): Conflicting classifications of pathogenicity. Review status: criteria provided, conflicting classifications (1 of 4 stars). 8 submissions from 4 submitters: Uncertain significance (6); Likely benign (2). Last evaluated 2026-02-17.

Conditions:
Autosomal recessive limb-girdle muscular dystrophy type 2J (LGMDR10). Also called: Limb-girdle muscular dystrophy, type 2J; MUSCULAR DYSTROPHY, LIMB-GIRDLE, AUTOSOMAL RECESSIVE 10. Identifiers: Orphanet 140922, MedGen C1837342, MONDO:0012127, OMIM 608807.
Dilated cardiomyopathy 1G (CMD1G). Identifiers: Orphanet 154, MedGen C1858763, MONDO:0011400, OMIM 604145.
TTN-related disorder. Also called: TTN-related condition; TTN-related disease; TTN-related disorders.
Myopathy, myofibrillar, 9, with early respiratory failure (MFM9). Also called: Hereditary myopathy with early respiratory failure; MYOPATHY, PROXIMAL, WITH EARLY RESPIRATORY MUSCLE INVOLVEMENT; EDSTROM MYOPATHY; Myopathy, distal, with early respiratory failure, autosomal dominant. Identifiers: Orphanet 178464, Orphanet 34521, MedGen C1863599, MONDO:0011362, OMIM 603689.
Tibial muscular dystrophy (TMD). Also called: Udd Distal Myopathy – Tibial Muscular Dystrophy; UDD MYOPATHY; Tibial muscular dystrophy, tardive. Identifiers: Orphanet 609, MedGen C1838244, MONDO:0010870, OMIM 600334.
Early-onset myopathy with fatal cardiomyopathy (CMYO5). Also called: Salih Myopathy; CONGENITAL MYOPATHY 5 WITH CARDIOMYOPATHY. Identifiers: Orphanet 289377, MedGen C2673677, MONDO:0012714, OMIM 611705. Disease mechanism: loss of function.

Allele frequency attached by ClinVar (database versions not stated): gnomAD 0.00002; gnomAD exomes 0.00002 and 0.00004; TOPMed 0.00002; ExAC 0.00003.
gnomAD v4.1: 37 of 1,613,844 alleles (0.0023%); highest among the groups gnomAD compares: Middle Eastern, 0.049%; no homozygotes.

Submissions (8):

PreventionGenetics, part of Exact Sciences
Classification: Uncertain significance for TTN-related condition. Last evaluated: 2026-02-17. Review status: criteria provided, single submitter. Criteria: ACMG Guidelines, 2015. Collection method: clinical testing. Allele origin: germline.
Comment: The TTN c.87650G>A variant is predicted to result in the amino acid substitution p.Arg29217His. To our knowledge, this variant has not been reported in the literature. This variant is reported in 0.012% of alleles in individuals of African descent in gnomAD. At this time, the clinical significance of this variant is uncertain due to the absence of conclusive functional and genetic evidence.

Revvity Omics, Revvity
Classification: Uncertain significance. Last evaluated: 2019-11-05. Review status: criteria provided, single submitter. Criteria: ACMG Guidelines, 2015. Collection method: clinical testing. Allele origin: germline.

Illumina Laboratory Services, Illumina
Classification: Likely benign for Myopathy, myofibrillar, 9, with early respiratory failure. Last evaluated: 2018-01-13. Review status: criteria provided, single submitter. Criteria: ICSL Variant Classification Criteria 13 December 2019. Collection method: clinical testing. Allele origin: germline.
Comment: This variant was observed in the ICSL laboratory as part of a predisposition screen in an ostensibly healthy population. It had not been previously curated by ICSL or reported in the Human Gene Mutation Database (HGMD: prior to June 1st, 2018), and was therefore a candidate for classification through an automated scoring system. Utilizing variant allele frequency, disease prevalence and penetrance estimates, and inheritance mode, an automated score was calculated to assess if this variant is too frequent to cause the disease. Based on the score and internal cut-off values, a variant classified as likely benign is not then subjected to further curation. The score for this variant resulted in a classification of likely benign for this disease.

Illumina Laboratory Services, Illumina
Classification: Likely benign for Tibial muscular dystrophy. Last evaluated: 2018-01-13. Review status: criteria provided, single submitter. Criteria: ICSL Variant Classification Criteria 13 December 2019. Collection method: clinical testing. Allele origin: germline.
Comment: the same text as in the submission from Illumina Laboratory Services, Illumina above.

Illumina Laboratory Services, Illumina
Classification: Uncertain significance for Autosomal recessive limb-girdle muscular dystrophy type 2J. Last evaluated: 2018-01-13. Review status: criteria provided, single submitter. Criteria: ICSL Variant Classification Criteria 13 December 2019. Collection method: clinical testing. Allele origin: germline.

Illumina Laboratory Services, Illumina
Classification: Uncertain significance for Early-onset myopathy with fatal cardiomyopathy. Last evaluated: 2018-01-13. Review status: criteria provided, single submitter. Criteria: ICSL Variant Classification Criteria 13 December 2019. Collection method: clinical testing. Allele origin: germline.

Illumina Laboratory Services, Illumina
Classification: Uncertain significance for Dilated cardiomyopathy 1G. Last evaluated: 2018-01-13. Review status: criteria provided, single submitter. Criteria: ICSL Variant Classification Criteria 13 December 2019. Collection method: clinical testing. Allele origin: germline.

Labcorp Genetics (formerly Invitae), Labcorp
Classification: Uncertain significance for Dilated cardiomyopathy 1G; Autosomal recessive limb-girdle muscular dystrophy type 2J. Last evaluated: 2017-03-01. Review status: criteria provided, single submitter. Criteria: Invitae Variant Classification Sherloc (09022015). Collection method: clinical testing. Allele origin: germline.

NM_001267550.2(TTN):c.87650G>A (p.Arg29217His)

Genes: TTN-AS1 (TTN antisense RNA 1; plus strand), TTN (titin; minus strand). Cytogenetic location: 2q31.2.
Variant type: single nucleotide variant.
Coding change: c.87650G>A on transcript NM_001267550.2 (MANE Select); coding-DNA position 87650, G replaced by A.
Protein change: p.Arg29217His; replaces arginine 29217 with histidine.
Molecular consequence: missense variant.
Genome position (GRCh38, 1-based): chr2:178,557,704, C>T on the plus strand (G>A on the coding strand, the complement: TTN is on the minus strand). VCF-style: chr2-178557704-C-T. GRCh37 (hg19) VCF-style: chr2-179422431-C-T.
Other names: c.82727G>A, p.Arg27576His (NM_001256850.1); c.60455G>A, p.Arg20152His (NM_003319.4); c.79946G>A, p.Arg26649His (NM_133378.4); c.60830G>A, p.Arg20277His (NM_133432.3); c.61031G>A, p.Arg20344His (NM_133437.4); short protein forms R29217H, R20277H, R27576H, R20344H, R20152H, R26649H.
Identifiers: ClinVar variation 467593 (VCV000467593.10), dbSNP rs749606240, ClinGen allele CA1988285.